The following is an entry in ClinVar:

ClinVar aggregate classification (germline): Benign (1 of 4 stars; one submission).

Conditions:
Familial adenomatous polyposis 1 (FAP1). Also called: POLYPOSIS, ADENOMATOUS INTESTINAL; FAMILIAL ADENOMATOUS POLYPOSIS 1, ATTENUATED. Identifiers: MedGen C2713442, MONDO:0021056, OMIM 175100. Disease mechanism: loss of function.

Submission:

Myriad Genetics, Inc.
Classification: Benign for Familial adenomatous polyposis 1. Last evaluated: 2024-03-01. Review status: criteria provided, single submitter. Criteria: Myriad Autosomal Dominant, Autosomal Recessive and X-Linked Classification Criteria (2023). Collection method: clinical testing. Allele origin: unknown.
Comment: This variant is considered benign. This variant is a silent/synonymous amino acid change and it is not expected to impact splicing.

NM_000038.6(APC):c.1428A>G (p.Ala476=)

Gene: APC (APC regulator of Wnt signaling pathway; plus strand). Cytogenetic location: 5q22.2.
Variant type: single nucleotide variant.
Coding change: c.1428A>G on transcript NM_000038.6 (MANE Select); coding-DNA position 1428, A replaced by G.
Protein change: p.Ala476=; no amino-acid change (alanine 476 retained).
Molecular consequence: synonymous variant.
Genome position (GRCh38, 1-based): chr5:112,827,127, A>G. VCF-style: chr5-112827127-A-G. GRCh37 (hg19) VCF-style: chr5-112162824-A-G.
Other names: c.1428A>G, p.Ala476= (NM_001127510.3, NM_001354895.2, NM_001407450.1); c.1374A>G, p.Ala458= (NM_001127511.3); c.1482A>G, p.Ala494= (NM_001354896.2, NM_001407447.1, NM_001407448.1 and 1 more transcripts); c.1458A>G, p.Ala486= (NM_001354897.2); c.1353A>G, p.Ala451= (NM_001354898.2); c.1344A>G, p.Ala448= (NM_001354899.2); c.1305A>G, p.Ala435= (NM_001354900.2); c.1251A>G, p.Ala417= (NM_001354901.2, NM_001407453.1); and 11 more.
Identifiers: ClinVar variation 3148734 (VCV003148734.1), dbSNP rs2149808707, ClinGen allele CA445755905.